The following is an entry in ClinVar:

NM_000092.5(COL4A4):c.1961G>A (p.Gly654Asp)

Gene: COL4A4 (collagen type IV alpha 4 chain; minus strand). Cytogenetic location: 2q36.3.
Variant type: single nucleotide variant.
Coding change: c.1961G>A on transcript NM_000092.5 (MANE Select); coding-DNA position 1961, G replaced by A.
Protein change: p.Gly654Asp; replaces glycine 654 with aspartic acid.
Molecular consequence: missense variant.
Genome position (GRCh38, 1-based): chr2:227,077,920, C>T on the plus strand (G>A on the coding strand, the complement: COL4A4 is on the minus strand). VCF-style: chr2-227077920-C-T. GRCh37 (hg19) VCF-style: chr2-227942636-C-T.
Other names: short protein forms G654D.
Identifiers: ClinVar variation 1038986 (VCV001038986.9), dbSNP rs1158615890, ClinGen allele CA350845143.

ClinVar aggregate classification (germline): Conflicting classifications of pathogenicity. Review status: criteria provided, conflicting classifications (1 of 4 stars). 2 submissions from 2 submitters: Likely pathogenic (1); Uncertain significance (1). Last evaluated 2022-07-25.

Conditions:
COL4A4-related disorder.

Allele frequency attached by ClinVar (database versions not stated): gnomAD exomes below 0.00001 and 0.00001.
gnomAD v4.1: 2 of 1,613,344 alleles (0.00012%); highest among the groups gnomAD compares: Admixed American, 0.0033%; no homozygotes.

Submissions (2):

Blueprint Genetics
Classification: Likely pathogenic for COL4A4-related disorders. Last evaluated: 2022-07-25. Review status: criteria provided, single submitter. Criteria: ACMG Guidelines, 2015. Collection method: clinical testing. Allele origin: germline. Affected: yes. Observed: 3 variant alleles.

Labcorp Genetics (formerly Invitae), Labcorp
Classification: Uncertain significance. Last evaluated: 2020-06-24. Review status: criteria provided, single submitter. Criteria: Invitae Variant Classification Sherloc (09022015). Collection method: clinical testing. Allele origin: germline.
Comment: This variant has not been reported in the literature in individuals with COL4A4-related conditions. In summary, the available evidence is currently insufficient to determine the role of this variant in disease. Therefore, it has been classified as a Variant of Uncertain Significance. Algorithms developed to predict the effect of missense changes on protein structure and function are either unavailable or do not agree on the potential impact of this missense change (SIFT: "Deleterious"; PolyPhen-2: "Probably Damaging"; Align-GVGD: "Class C0"). This variant is not present in population databases (ExAC no frequency). This sequence change replaces glycine with aspartic acid at codon 654 of the COL4A4 protein (p.Gly654Asp). The glycine residue is highly conserved and there is a moderate physicochemical difference between glycine and aspartic acid.